The following is an entry in ClinVar:

NM_002016.2(FLG):c.12057G>A (p.Ala4019=)

Genes: CCDST (cervical cancer associated DHX9 suppressive transcript; plus strand), FLG (filaggrin; minus strand). Cytogenetic location: 1q21.3.
Variant type: single nucleotide variant.
Coding change: c.12057G>A on transcript NM_002016.2 (MANE Select); coding-DNA position 12057, G replaced by A.
Protein change: p.Ala4019=; no amino-acid change (alanine 4019 retained).
Molecular consequence: synonymous variant.
Genome position (GRCh38, 1-based): chr1:152,302,829, C>T on the plus strand (G>A on the coding strand, the complement: FLG is on the minus strand). VCF-style: chr1-152302829-C-T. GRCh37 (hg19) VCF-style: chr1-152275305-C-T.
Identifiers: ClinVar variation 2639220 (VCV002639220.25), dbSNP rs370295034, ClinGen allele CA1102704.

ClinVar aggregate classification (germline): Likely benign. Review status: criteria provided, single submitter (1 of 4 stars). 2 submissions from 2 submitters: Likely benign (1). 1 of the submissions does not count toward it. Last evaluated 2023-03-01.

Conditions:
FLG-related disorder. Also called: FLG-related disorders; FLG-related condition.

Allele frequency attached by ClinVar (database versions not stated): gnomAD exomes 0.00002; gnomAD 0.00004; ExAC 0.00005; TOPMed 0.00006; ESP Exome Variant Server 0.00008.
gnomAD v4.1: 41 of 1,614,032 alleles (0.0025%); highest among the groups gnomAD compares: East Asian, 0.024%; no homozygotes.

Submissions (2):

CeGaT Center for Human Genetics Tuebingen
Classification: Likely benign. Last evaluated: 2023-03-01. Review status: criteria provided, single submitter. Criteria: CeGaT Center For Human Genetics Tuebingen Variant Classification Criteria Version 2. Collection method: clinical testing. Allele origin: germline. Affected: yes. Observed: 1 variant allele.
Comment: FLG: BP4, BP7

PreventionGenetics, part of Exact Sciences
Classification: Likely benign for FLG-related condition. Last evaluated: 2023-02-27. Review status: no assertion criteria provided. Collection method: clinical testing. Allele origin: germline. Not counted in ClinVar's aggregate classification.
Comment: This variant is classified as likely benign based on ACMG/AMP sequence variant interpretation guidelines (Richards et al. 2015 PMID: 25741868, with internal and published modifications).